The following is an entry in ClinVar:

ClinVar aggregate classification (germline): Benign/Likely benign. Review status: criteria provided, multiple submitters, no conflicts (2 of 4 stars). 3 submissions from 3 submitters: Benign (2); Likely benign (1). Last evaluated 2026-03-05.

Conditions:
COLEC10-related disorder. Also called: COLEC10-related condition.

Allele frequency attached by ClinVar (database versions not stated): gnomAD exomes 0.00156; ExAC 0.00194; ESP Exome Variant Server 0.00584; gnomAD 0.00611 and 0.00654; 1000 Genomes Project 0.00679; TOPMed 0.00691; 1000 Genomes Project 30x 0.00859.
gnomAD v4.1: 1,834 of 1,612,090 alleles (0.11%); highest among the groups gnomAD compares: African/African-American, 2.2%; 17 homozygotes.

Submissions (3):

PreventionGenetics, part of Exact Sciences
Classification: Likely benign for COLEC10-related condition. Last evaluated: 2026-03-05. Review status: criteria provided, single submitter. Criteria: ACMG Guidelines, 2015. Collection method: clinical testing. Allele origin: germline.
Comment: This variant is classified as likely benign based on ACMG/AMP sequence variant interpretation guidelines (Richards et al. 2015 PMID: 25741868, with internal and published modifications).

Labcorp Genetics (formerly Invitae), Labcorp
Classification: Benign. Last evaluated: 2019-12-31. Review status: criteria provided, single submitter. Criteria: Invitae Variant Classification Sherloc (09022015). Collection method: clinical testing. Allele origin: germline.

Breakthrough Genomics
Classification: Benign. Review status: criteria provided, single submitter. Criteria: ACMG Guidelines, 2015. Collection method: not provided. Allele origin: germline. Inheritance: Autosomal recessive inheritance. Affected: yes.

NM_006438.5(COLEC10):c.216G>A (p.Pro72=)

Gene: COLEC10 (collectin subfamily member 10; plus strand). Cytogenetic location: 8q24.12.
Variant type: single nucleotide variant.
Coding change: c.216G>A on transcript NM_006438.5 (MANE Select); coding-DNA position 216, G replaced by A.
Protein change: p.Pro72=; no amino-acid change (proline 72 retained).
Molecular consequence: synonymous variant.
Genome position (GRCh38, 1-based): chr8:119,089,747, G>A. VCF-style: chr8-119089747-G-A. GRCh37 (hg19) VCF-style: chr8-120101986-G-A.
Other names: c.9G>A, p.Pro3= (NM_001324095.2).
Identifiers: ClinVar variation 783530 (VCV000783530.6), dbSNP rs116835812, ClinGen allele CA4855099.
Genomic context (GRCh38, chr8:119,089,747, plus strand): 5'-TGGTGAAAAAGGAGATCCAGGAGAAGAGGGAAAGCATGGCAAAGTGGGACGCATGGGGCC[G>A]AAAGGTAACTAAAATGATGTGAAACTGACATTTTAATATCATAATTGTTCTTCTATCTCT-3'
Protein context (NP_006429.2, residues 62-82): GKHGKVGRMG[Pro72=]KGIKGELGDM